The following is an entry in ClinVar:

ClinVar aggregate classification (germline): Uncertain significance. Review status: criteria provided, multiple submitters, no conflicts (2 of 4 stars). 2 submissions from 2 submitters: Uncertain significance (2). Last evaluated 2021-10-13.

Conditions:
Cystic fibrosis (CF). Also called: MUCOVISCIDOSIS. Identifiers: Orphanet 586, MedGen C0010674, MONDO:0009061, OMIM 219700. Disease mechanism: loss of function.

gnomAD v4.1: 3 of 1,614,014 alleles (0.00019%); highest among the groups gnomAD compares: Non-Finnish European, 0.00025%; no homozygotes.

Submissions (2):

Women's Health and Genetics/Laboratory Corporation of America, LabCorp
Classification: Uncertain significance. Last evaluated: 2021-10-13. Review status: criteria provided, single submitter. Criteria: LabCorp Variant Classification Summary - May 2015. Collection method: clinical testing. Allele origin: germline.
Comment: Variant summary: CFTR c.2125C>G (p.Arg709Gly) results in a non-conservative amino acid change located in the regulator domain (IPR025837) of the encoded protein sequence. Four of five in-silico tools predict a damaging effect of the variant on protein function. The variant was absent in 250834 control chromosomes (gnomAD). The available data on variant occurrences in the general population are insufficient to allow any conclusion about variant significance. To our knowledge, no occurrence of c.2125C>G in individuals affected with Chronic Pancreatitis Risk and no experimental evidence demonstrating its impact on protein function have been reported. No clinical diagnostic laboratories have submitted clinical-significance assessments for this variant to ClinVar after 2014. Based on the evidence outlined above, the variant was classified as uncertain significance.

Ambry Genetics
Classification: Uncertain significance for Cystic fibrosis. Last evaluated: 2021-09-19. Review status: criteria provided, single submitter. Criteria: Ambry Variant Classification Scheme 2023. Collection method: clinical testing. Allele origin: germline.
Comment: The p.R709G variant (also known as c.2125C>G), located in coding exon 14 of the CFTR gene, results from a C to G substitution at nucleotide position 2125. The arginine at codon 709 is replaced by glycine, an amino acid with dissimilar properties. This amino acid position is conserved. In addition, this alteration is predicted to be deleterious by in silico analysis. Since supporting evidence is limited at this time, the clinical significance of this alteration remains unclear.

NM_000492.4(CFTR):c.2125C>G (p.Arg709Gly)

Gene: CFTR (CF transmembrane conductance regulator; plus strand). Cytogenetic location: 7q31.2.
Variant type: single nucleotide variant.
Coding change: c.2125C>G on transcript NM_000492.4 (MANE Select); coding-DNA position 2125, C replaced by G.
Protein change: p.Arg709Gly; replaces arginine 709 with glycine.
Molecular consequence: missense variant.
Genome position (GRCh38, 1-based): chr7:117,592,292, C>G. VCF-style: chr7-117592292-C-G. GRCh37 (hg19) VCF-style: chr7-117232346-C-G.
Other names: short protein forms R709G.
Identifiers: ClinVar variation 1321373 (VCV001321373.3), dbSNP rs121908760, ClinGen allele CA368979863.